The following is an entry in ClinVar:

ClinVar aggregate classification (germline): Likely pathogenic (1 of 4 stars; one submission).

Submission:

CeGaT Center for Human Genetics Tuebingen
Classification: Likely pathogenic. Last evaluated: 2023-03-01. Review status: criteria provided, single submitter. Criteria: CeGaT Center For Human Genetics Tuebingen Variant Classification Criteria Version 2. Collection method: clinical testing. Allele origin: germline. Affected: yes. Observed: 1 variant allele.
Comment: MC2R: PM2, PM5, PM3:Supporting, PP4

NM_000529.2(MC2R):c.817C>T (p.Pro273Ser)

Gene: MC2R (melanocortin 2 receptor; minus strand). Cytogenetic location: 18p11.21.
Variant type: single nucleotide variant.
Coding change: c.817C>T on transcript NM_000529.2 (MANE Select); coding-DNA position 817, C replaced by T.
Protein change: p.Pro273Ser; replaces proline 273 with serine.
Molecular consequence: missense variant.
Genome position (GRCh38, 1-based): chr18:13,884,702, G>A on the plus strand (C>T on the coding strand, the complement: MC2R is on the minus strand). VCF-style: chr18-13884702-G-A. GRCh37 (hg19) VCF-style: chr18-13884701-G-A.
Other names: c.817C>T, p.Pro273Ser (NM_001291911.1); short protein forms P273S.
Identifiers: ClinVar variation 2498736 (VCV002498736.28), dbSNP rs1351304647, ClinGen allele CA401993794.